The following is an entry in ClinVar:

NM_003072.5(SMARCA4):c.8C>A (p.Thr3Asn)

Gene: SMARCA4 (SWI/SNF related BAF chromatin remodeling complex subunit ATPase 4; plus strand). Cytogenetic location: 19p13.2.
Variant type: single nucleotide variant.
Coding change: c.8C>A on transcript NM_003072.5 (MANE Select); coding-DNA position 8, C replaced by A.
Protein change: p.Thr3Asn; replaces threonine 3 with asparagine.
Molecular consequence: missense variant. On other transcripts: non-coding transcript variant (1).
Genome position (GRCh38, 1-based): chr19:10,984,159, C>A. VCF-style: chr19-10984159-C-A. GRCh37 (hg19) VCF-style: chr19-11094835-C-A.
Other names: c.8C>A, p.Thr3Asn (NM_001128844.3, NM_001128845.2, NM_001128846.2 and 6 more transcripts); short protein forms T3N.
Identifiers: ClinVar variation 1719461 (VCV001719461.9), dbSNP rs1339941779, ClinGen allele CA404053850.

ClinVar aggregate classification (germline): Uncertain significance. Review status: criteria provided, multiple submitters, no conflicts (2 of 4 stars). 2 submissions from 2 submitters: Uncertain significance (2). Last evaluated 2024-05-23.

Conditions:
Hereditary cancer-predisposing syndrome. Also called: Hereditary neoplastic syndrome; Neoplastic Syndromes, Hereditary; Hereditary Cancer Syndrome; Tumor predisposition. Identifiers: Orphanet 140162, MedGen C0027672, MeSH D009386, MONDO:0015356.
Rhabdoid tumor predisposition syndrome 2 (RTPS2). Identifiers: Orphanet 231108, Orphanet 69077, MedGen C2750074, MONDO:0013224, OMIM 613325.

gnomAD v4.1: 1 of 1,613,754 alleles (0.000062%); highest among the groups gnomAD compares: Non-Finnish European, 0.000085%; no homozygotes.

Submissions (2):

Ambry Genetics
Classification: Uncertain significance for Hereditary cancer-predisposing syndrome. Last evaluated: 2024-05-23. Review status: criteria provided, single submitter. Criteria: Ambry Variant Classification Scheme 2023. Collection method: clinical testing. Allele origin: germline.
Comment: The p.T3N variant (also known as c.8C>A), located in coding exon 1 of the SMARCA4 gene, results from a C to A substitution at nucleotide position 8. The threonine at codon 3 is replaced by asparagine, an amino acid with similar properties. This amino acid position is well conserved in available vertebrate species. In addition, the in silico prediction for this alteration is inconclusive. Missense and in-frame variants in SMARCA4 are known to cause neurodevelopmental disorders; however, such associations with rhabdoid tumor predisposition syndrome including small cell carcinoma of the ovary-hypercalcemic type (SCCOHT) are exceedingly rare (Kosho T et al. Am J Med Genet C Semin Med Genet. 2014 Sep;166C(3):262-75; Jelinic P et al. Nat Genet. 2014 May;46(5):424-6). Based on the supporting evidence, the association of this alteration with Coffin-Siris syndrome is unknown; however, the association of this alteration with rhabdoid tumor predisposition syndrome is unlikely.

Labcorp Genetics (formerly Invitae), Labcorp
Classification: Uncertain significance for Rhabdoid tumor predisposition syndrome 2. Last evaluated: 2022-11-29. Review status: criteria provided, single submitter. Criteria: Invitae Variant Classification Sherloc (09022015). Collection method: clinical testing. Allele origin: germline.
Comment: Advanced modeling of protein sequence and biophysical properties (such as structural, functional, and spatial information, amino acid conservation, physicochemical variation, residue mobility, and thermodynamic stability) has been performed at Invitae for this missense variant, however the output from this modeling did not meet the statistical confidence thresholds required to predict the impact of this variant on SMARCA4 protein function. This variant has not been reported in the literature in individuals affected with SMARCA4-related conditions. This variant is not present in population databases (gnomAD no frequency). This sequence change replaces threonine, which is neutral and polar, with asparagine, which is neutral and polar, at codon 3 of the SMARCA4 protein (p.Thr3Asn). In summary, the available evidence is currently insufficient to determine the role of this variant in disease. Therefore, it has been classified as a Variant of Uncertain Significance.